The following is an entry in ClinVar:

NM_000218.3(KCNQ1):c.1393+33929C>T

Genes: KCNQ1 (potassium voltage-gated channel subfamily Q member 1; plus strand), KCNQ1OT1 (KCNQ1 opposite strand/antisense transcript 1; minus strand). Cytogenetic location: 11p15.5.
Variant type: single nucleotide variant.
Coding change: c.1393+33929C>T on transcript NM_000218.3 (MANE Select); 33929 bases into the intron after coding-DNA position 1393, C replaced by T.
Molecular consequence: intron variant.
Genome position (GRCh38, 1-based): chr11:2,622,783, C>T. VCF-style: chr11-2622783-C-T. GRCh37 (hg19) VCF-style: chr11-2644013-C-T.
Other names: c.1123+33929C>T (NM_001406837.1); c.1297+33929C>T (NM_001406836.1); c.853+33929C>T (NM_001406838.1); c.1012+33929C>T (NM_181798.2).
Identifiers: ClinVar variation 1694595 (VCV001694595.32), dbSNP rs560574378, ClinGen allele CA216363291.

ClinVar aggregate classification (germline): Likely benign. Review status: criteria provided, multiple submitters, no conflicts (2 of 4 stars). 2 submissions from 2 submitters: Likely benign (2). Last evaluated 2026-08-01.

Allele frequency attached by ClinVar (database versions not stated): 1000 Genomes Project 30x 0.00062; 1000 Genomes Project 0.00080; gnomAD 0.00353 and 0.00360; TOPMed 0.00364; gnomAD exomes 0.00499.
gnomAD v4.1: 1,762 of 398,526 alleles (0.44%); highest among the groups gnomAD compares: Non-Finnish European, 0.6%; 4 homozygotes.

Submissions (2):

CeGaT Center for Human Genetics Tuebingen
Classification: Likely benign. Last evaluated: 2026-08-01. Review status: criteria provided, single submitter. Criteria: CeGaT Center For Human Genetics Tuebingen Variant Classification Criteria Version 2. Collection method: clinical testing. Allele origin: germline. Affected: yes. Observed: 50 variant alleles.
Comment: KCNQ1OT1: BS2

Blueprint Genetics
Classification: Likely benign. Last evaluated: 2024-11-26. Review status: criteria provided, single submitter. Criteria: ACMG Guidelines, 2015. Collection method: clinical testing. Allele origin: germline.